The following is an entry in ClinVar:

NM_003640.5(ELP1):c.1974T>A (p.His658Gln)

Gene: ELP1 (elongator acetyltransferase complex subunit 1; minus strand). Cytogenetic location: 9q31.3.
Variant type: single nucleotide variant.
Coding change: c.1974T>A on transcript NM_003640.5 (MANE Select); coding-DNA position 1974, T replaced by A.
Protein change: p.His658Gln; replaces histidine 658 with glutamine.
Molecular consequence: missense variant.
Genome position (GRCh38, 1-based): chr9:108,901,465, A>T on the plus strand (T>A on the coding strand, the complement: ELP1 is on the minus strand). VCF-style: chr9-108901465-A-T. GRCh37 (hg19) VCF-style: chr9-111663745-A-T.
Other names: c.1632T>A, p.His544Gln (NM_001318360.2); c.927T>A, p.His309Gln (NM_001330749.2); short protein forms H309Q, H544Q, H658Q.
Identifiers: ClinVar variation 1799802 (VCV001799802.2), dbSNP rs1308350085, ClinGen allele CA374424136.

ClinVar aggregate classification (germline): Uncertain significance (1 of 4 stars; one submission).

gnomAD v4.1: 1 of 1,614,040 alleles (0.000062%); no homozygotes.

Submission:

Ambry Genetics
Classification: Uncertain significance. Last evaluated: 2021-10-08. Review status: criteria provided, single submitter. Criteria: Ambry Variant Classification Scheme 2023. Collection method: clinical testing. Allele origin: germline.
Comment: The p.H658Q variant (also known as c.1974T>A), located in coding exon 17 of the IKBKAP gene, results from a T to A substitution at nucleotide position 1974. The histidine at codon 658 is replaced by glutamine, an amino acid with highly similar properties. This amino acid position is conserved. In addition, the in silico prediction for this alteration is inconclusive. Since supporting evidence is limited at this time, the clinical significance of this alteration remains unclear.